The following is an entry in ClinVar:

ClinVar aggregate classification (germline): Likely benign. Review status: criteria provided, multiple submitters, no conflicts (2 of 4 stars). 2 submissions from 2 submitters: Likely benign (2). Last evaluated 2025-02-11.

Conditions:
Emery-Dreifuss muscular dystrophy (EDMD). Also called: Scapuloperoneal syndrome, X-linked (formerly); Humeroperoneal neuromuscular disease, (formerly). Identifiers: Orphanet 261, MedGen C0410189, MONDO:0016830.

Allele frequency attached by ClinVar (database versions not stated): gnomAD 0.00023 and 0.00026; TOPMed 0.00029; gnomAD exomes 0.00031; ExAC 0.00034; ESP Exome Variant Server 0.00077.
gnomAD v4.1: 693 of 1,614,048 alleles (0.043%); highest among the groups gnomAD compares: Non-Finnish European, 0.055%; no homozygotes.

Submissions (2):

Labcorp Genetics (formerly Invitae), Labcorp
Classification: Likely benign for Emery-Dreifuss muscular dystrophy. Last evaluated: 2025-02-11. Review status: criteria provided, single submitter. Criteria: Invitae Variant Classification Sherloc (09022015). Collection method: clinical testing. Allele origin: germline.

Mayo Clinic Laboratories, Mayo Clinic
Classification: Likely benign. Last evaluated: 2025-01-21. Review status: criteria provided, single submitter. Criteria: ACMG Guidelines, 2015. Collection method: clinical testing. Allele origin: germline. Observed: 1 variant allele.
Comment: BP4, BP7

NM_015374.3(SUN2):c.657G>A (p.Pro219=)

Gene: SUN2 (Sad1 and UNC84 domain containing 2; minus strand). Cytogenetic location: 22q13.1.
Variant type: single nucleotide variant.
Coding change: c.657G>A on transcript NM_015374.3 (MANE Select); coding-DNA position 657, G replaced by A.
Protein change: p.Pro219=; no amino-acid change (proline 219 retained).
Molecular consequence: synonymous variant.
Genome position (GRCh38, 1-based): chr22:38,748,741, C>T on the plus strand (G>A on the coding strand, the complement: SUN2 is on the minus strand). VCF-style: chr22-38748741-C-T. GRCh37 (hg19) VCF-style: chr22-39144746-C-T.
Other names: p.Pro219=; c.720G>A, p.Pro240= (NM_001199579.2); c.657G>A, p.Pro219= (NM_001199580.2).
Identifiers: ClinVar variation 1148837 (VCV001148837.10), dbSNP rs143617240, ClinGen allele CA10235826.